The following is an entry in ClinVar:

NM_006017.3(PROM1):c.2309C>A (p.Pro770His)

Gene: PROM1 (prominin 1; minus strand). Cytogenetic location: 4p15.32.
Variant type: single nucleotide variant.
Coding change: c.2309C>A on transcript NM_006017.3 (MANE Select); coding-DNA position 2309, C replaced by A.
Protein change: p.Pro770His; replaces proline 770 with histidine.
Molecular consequence: missense variant.
Genome position (GRCh38, 1-based): chr4:15,984,327, G>T on the plus strand (C>A on the coding strand, the complement: PROM1 is on the minus strand). VCF-style: chr4-15984327-G-T. GRCh37 (hg19) VCF-style: chr4-15985950-G-T.
Other names: c.2282C>A, p.Pro761His (NM_001145847.2, NM_001145848.2, NM_001145851.2 and 4 more transcripts); c.2309C>A, p.Pro770His (NM_001145849.2, NM_001145850.2); short protein forms P770H, P761H.
Identifiers: ClinVar variation 347978 (VCV000347978.20), dbSNP rs568361529, ClinGen allele CA2866427.

ClinVar aggregate classification (germline): Conflicting classifications of pathogenicity. Review status: criteria provided, conflicting classifications (1 of 4 stars). 9 submissions from 6 submitters: Uncertain significance (3); Benign (2); Likely benign (3). 1 of the submissions does not count toward it. Last evaluated 2026-07-01.

Conditions:
Inborn genetic diseases. Identifiers: MedGen C0950123, MeSH D030342.
Retinal macular dystrophy type 2 (MCDR2). Also called: Bull's eye macular dystrophy. Identifiers: Orphanet 319640, MedGen C4749334, MONDO:0011957, OMIM 608051.
Cone-rod dystrophy 12 (CORD12). Identifiers: Orphanet 1872, MedGen C2675210, MONDO:0012983, OMIM 612657.
Stargardt disease 4 (STGD4). Identifiers: Orphanet 827, MedGen C1863534, MONDO:0011370, OMIM 603786.
PROM1-related disorder. Also called: PROM1-related condition; PROM1-related disorders.
Retinitis pigmentosa (RP). Identifiers: Orphanet 791, MedGen C0035334, MeSH D012174, MONDO:0019200, OMIM 268000. Inheritance: Autosomal dominant, autosomal recessive and X linked inheritance.

Allele frequency attached by ClinVar (database versions not stated): gnomAD 0.00001 and 0.00011; TOPMed 0.00003; gnomAD exomes 0.00010 and 0.00025; ExAC 0.00040; 1000 Genomes Project 0.00100; 1000 Genomes Project 30x 0.00109.
gnomAD v4.1: 173 of 1,604,836 alleles (0.011%); highest among the groups gnomAD compares: South Asian, 0.18%; 3 homozygotes.

Submissions (9):

CeGaT Center for Human Genetics Tuebingen
Classification: Likely benign. Last evaluated: 2026-07-01. Review status: criteria provided, single submitter. Criteria: CeGaT Center For Human Genetics Tuebingen Variant Classification Criteria Version 2. Collection method: clinical testing. Allele origin: germline. Affected: yes. Observed: 1 variant allele.
Comment: PROM1: BS2

Labcorp Genetics (formerly Invitae), Labcorp
Classification: Benign. Last evaluated: 2025-11-27. Review status: criteria provided, single submitter. Criteria: Invitae Variant Classification Sherloc (09022015). Collection method: clinical testing. Allele origin: germline.

Ambry Genetics
Classification: Uncertain significance for Inborn genetic diseases. Last evaluated: 2025-09-24. Review status: criteria provided, single submitter. Criteria: Ambry Variant Classification Scheme 2023. Collection method: clinical testing. Allele origin: germline.

Blueprint Genetics
Classification: Likely benign. Last evaluated: 2024-09-24. Review status: criteria provided, single submitter. Criteria: ACMG Guidelines, 2015. Collection method: clinical testing. Allele origin: germline.

Illumina Laboratory Services, Illumina
Classification: Likely benign for Stargardt disease 4. Last evaluated: 2018-01-13. Review status: criteria provided, single submitter. Criteria: ICSL Variant Classification Criteria 13 December 2019. Collection method: clinical testing. Allele origin: germline.
Comment: This variant was observed in the ICSL laboratory as part of a predisposition screen in an ostensibly healthy population. It had not been previously curated by ICSL or reported in the Human Gene Mutation Database (HGMD: prior to June 1st, 2018), and was therefore a candidate for classification through an automated scoring system. Utilizing variant allele frequency, disease prevalence and penetrance estimates, and inheritance mode, an automated score was calculated to assess if this variant is too frequent to cause the disease. Based on the score and internal cut-off values, a variant classified as likely benign is not then subjected to further curation. The score for this variant resulted in a classification of likely benign for this disease.

Illumina Laboratory Services, Illumina
Classification: Uncertain significance for Retinitis pigmentosa. Last evaluated: 2018-01-13. Review status: criteria provided, single submitter. Criteria: ICSL Variant Classification Criteria 13 December 2019. Collection method: clinical testing. Allele origin: germline.

Illumina Laboratory Services, Illumina
Classification: Uncertain significance for Retinal macular dystrophy type 2. Last evaluated: 2018-01-13. Review status: criteria provided, single submitter. Criteria: ICSL Variant Classification Criteria 13 December 2019. Collection method: clinical testing. Allele origin: germline.

Illumina Laboratory Services, Illumina
Classification: Benign for Cone-rod dystrophy 12. Last evaluated: 2018-01-13. Review status: criteria provided, single submitter. Criteria: ICSL Variant Classification Criteria 13 December 2019. Collection method: clinical testing. Allele origin: germline.
Comment: This variant was observed in the ICSL laboratory as part of a predisposition screen in an ostensibly healthy population. It had not been previously curated by ICSL or reported in the Human Gene Mutation Database (HGMD: prior to June 1st, 2018), and was therefore a candidate for classification through an automated scoring system. Utilizing variant allele frequency, disease prevalence and penetrance estimates, and inheritance mode, an automated score was calculated to assess if this variant is too frequent to cause the disease. Based on the score and internal cut-off values, a variant classified as benign is not then subjected to further curation. The score for this variant resulted in a classification of benign for this disease.

PreventionGenetics, part of Exact Sciences
Classification: Likely benign for PROM1-related condition. Last evaluated: 2023-04-17. Review status: no assertion criteria provided. Collection method: clinical testing. Allele origin: germline. Not counted in ClinVar's aggregate classification.
Comment: This variant is classified as likely benign based on ACMG/AMP sequence variant interpretation guidelines (Richards et al. 2015 PMID: 25741868, with internal and published modifications).